The following is an entry in ClinVar:

ClinVar aggregate classification (germline): Uncertain significance (1 of 4 stars; one submission).

Allele frequency attached by ClinVar (database versions not stated): gnomAD exomes below 0.00001; ExAC 0.00001.

Submission:

Ambry Genetics
Classification: Uncertain significance. Last evaluated: 2023-11-08. Review status: criteria provided, single submitter. Criteria: Ambry Variant Classification Scheme 2023. Collection method: clinical testing. Allele origin: germline.
Comment: The p.A58V variant (also known as c.173C>T), located in coding exon 2 of the ILK gene, results from a C to T substitution at nucleotide position 173. The alanine at codon 58 is replaced by valine, an amino acid with similar properties. This amino acid position is conserved. In addition, this alteration is predicted to be deleterious by in silico analysis. Since supporting evidence is limited at this time, the clinical significance of this alteration remains unclear.

NM_004517.4(ILK):c.173C>T (p.Ala58Val)

Genes: ILK (integrin linked kinase; plus strand), TAF10 (TATA-box binding protein associated factor 10; minus strand). Cytogenetic location: 11p15.4.
Variant type: single nucleotide variant.
Coding change: c.173C>T on transcript NM_004517.4 (MANE Select); coding-DNA position 173, C replaced by T.
Protein change: p.Ala58Val; replaces alanine 58 with valine.
Molecular consequence: missense variant. On other transcripts: 3 prime UTR variant (1), intron variant (1).
Genome position (GRCh38, 1-based): chr11:6,608,129, C>T. VCF-style: chr11-6608129-C-T. GRCh37 (hg19) VCF-style: chr11-6629359-C-T.
Other names: c.173C>T, p.Ala58Val (NM_001014794.3, NM_001014795.3, NM_001278441.2); c.*2793G>A (NM_006284.4); c.-147-265C>T (NM_001278442.2); short protein forms A58V.
Identifiers: ClinVar variation 3224305 (VCV003224305.1), dbSNP rs771408198, ClinGen allele CA5857967.
Genomic context (GRCh38, chr11:6,608,129, plus strand): 5'-TGCACTGGGCCTGCCGAGAGGGCCGCTCTGCTGTGGTTGAGATGTTGATCATGCGGGGGG[C>T]ACGGATCAATGTAATGAACCGTGGGGATGACACCCCCCTGCATCTGGCAGCCAGTCATGG-3'
Protein context (NP_004508.1, residues 48-68): AVVEMLIMRG[Ala58Val]RINVMNRGDD